The following is an entry in ClinVar:

NM_000751.3(CHRND):c.314C>G (p.Pro105Arg)

Gene: CHRND (cholinergic receptor nicotinic delta subunit; plus strand). Cytogenetic location: 2q37.1.
Variant type: single nucleotide variant.
Coding change: c.314C>G on transcript NM_000751.3 (MANE Select); coding-DNA position 314, C replaced by G.
Protein change: p.Pro105Arg; replaces proline 105 with arginine.
Molecular consequence: missense variant.
Genome position (GRCh38, 1-based): chr2:232,528,332, C>G. VCF-style: chr2-232528332-C-G. GRCh37 (hg19) VCF-style: chr2-233393042-C-G.
Other names: c.269C>G, p.Pro90Arg (NM_001256657.2); c.43C>G, p.Arg15Gly (NM_001311195.2, NM_001311196.2); c.314C>G (NM_000751.1); short protein forms P105R, P90R, R15G.
Identifiers: ClinVar variation 659763 (VCV000659763.9), dbSNP rs769160054, ClinGen allele CA2167986.

ClinVar aggregate classification (germline): Uncertain significance. Review status: criteria provided, multiple submitters, no conflicts (2 of 4 stars). 2 submissions from 2 submitters: Uncertain significance (2). Last evaluated 2025-08-05.

Conditions:
Inborn genetic diseases. Identifiers: MedGen C0950123, MeSH D030342.
Lethal multiple pterygium syndrome (LMPS). Identifiers: Orphanet 33108, MedGen C1854678, MONDO:0009668, OMIM 253290.

Allele frequency attached by ClinVar (database versions not stated): TOPMed 0.00001.
gnomAD v4.1: 21 of 1,614,120 alleles (0.0013%); highest among the groups gnomAD compares: Non-Finnish European, 0.0017%; no homozygotes.

Submissions (2):

Ambry Genetics
Classification: Uncertain significance for Inborn genetic diseases. Last evaluated: 2025-08-05. Review status: criteria provided, single submitter. Criteria: Ambry Variant Classification Scheme 2023. Collection method: clinical testing. Allele origin: germline.

Labcorp Genetics (formerly Invitae), Labcorp
Classification: Uncertain significance for Lethal multiple pterygium syndrome. Last evaluated: 2018-09-20. Review status: criteria provided, single submitter. Criteria: Invitae Variant Classification Sherloc (09022015). Collection method: clinical testing. Allele origin: germline.
Comment: In summary, the available evidence is currently insufficient to determine the role of this variant in disease. Therefore, it has been classified as a Variant of Uncertain Significance. Algorithms developed to predict the effect of missense changes on protein structure and function are either unavailable or do not agree on the potential impact of this missense change (SIFT: "Deleterious"; PolyPhen-2: "Probably Damaging"; Align-GVGD: "Class C0"). This variant has not been reported in the literature in individuals with CHRND-related disease. This variant is present in population databases (rs769160054, ExAC 0.006%). This sequence change replaces proline with arginine at codon 105 of the CHRND protein (p.Pro105Arg). The proline residue is moderately conserved and there is a moderate physicochemical difference between proline and arginine.